The following is an entry in ClinVar:

ClinVar aggregate classification (germline): Likely benign (1 of 4 stars; one submission).

Allele frequency attached by ClinVar (database versions not stated): gnomAD exomes below 0.00001.
gnomAD v4.1: 5 of 1,613,944 alleles (0.00031%); highest among the groups gnomAD compares: Non-Finnish European, 0.00042%; no homozygotes.

Submission:

Laboratory for Molecular Medicine, Mass General Brigham Personalized Medicine
Classification: Likely benign. Last evaluated: 2014-05-16. Review status: criteria provided, single submitter. Criteria: LMM Criteria. Collection method: clinical testing. Allele origin: germline. Observed: 1 variant allele.
Comment: Val1426Ile in exon 35 of CDH23: This variant is not expected to have clinical si gnificance because the valine (Val) residue at position 1426 is not conserved ac ross species with at least 14 mammals having an isoleucine (Ile) at this positio n.

NM_022124.6(CDH23):c.4276G>A (p.Val1426Ile)

Gene: CDH23 (cadherin related 23; plus strand). Cytogenetic location: 10q22.1.
Variant type: single nucleotide variant.
Coding change: c.4276G>A on transcript NM_022124.6 (MANE Select); coding-DNA position 4276, G replaced by A.
Protein change: p.Val1426Ile; replaces valine 1426 with isoleucine.
Molecular consequence: missense variant.
Genome position (GRCh38, 1-based): chr10:71,738,564, G>A. VCF-style: chr10-71738564-G-A. GRCh37 (hg19) VCF-style: chr10-73498321-G-A.
Other names: short protein forms V1426I.
Identifiers: ClinVar variation 179748 (VCV000179748.4), dbSNP rs727505099, ClinGen allele CA185060.